The following is an entry in ClinVar:

ClinVar aggregate classification (germline): Uncertain significance. Review status: criteria provided, multiple submitters, no conflicts (2 of 4 stars). 3 submissions from 3 submitters: Uncertain significance (3). Last evaluated 2025-11-06.

Conditions:
Inborn genetic diseases. Identifiers: MedGen C0950123, MeSH D030342.

Allele frequency attached by ClinVar (database versions not stated): ExAC 0.00001; gnomAD 0.00001; gnomAD exomes 0.00001 and 0.00002; TOPMed 0.00001; ESP Exome Variant Server 0.00008.
gnomAD v4.1: 14 of 1,601,276 alleles (0.00087%); highest among the groups gnomAD compares: Admixed American, 0.0017%; no homozygotes.

Submissions (3):

Ambry Genetics
Classification: Uncertain significance for Inborn genetic diseases. Last evaluated: 2025-11-06. Review status: criteria provided, single submitter. Criteria: Ambry Variant Classification Scheme 2023. Collection method: clinical testing. Allele origin: germline.

Blueprint Genetics
Classification: Uncertain significance. Last evaluated: 2024-11-08. Review status: criteria provided, single submitter. Criteria: ACMG Guidelines, 2015. Collection method: clinical testing. Allele origin: germline.

Labcorp Genetics (formerly Invitae), Labcorp
Classification: Uncertain significance. Last evaluated: 2024-10-21. Review status: criteria provided, single submitter. Criteria: Invitae Variant Classification Sherloc (09022015). Collection method: clinical testing. Allele origin: germline.
Comment: This sequence change replaces arginine, which is basic and polar, with cysteine, which is neutral and slightly polar, at codon 221 of the KCNV2 protein (p.Arg221Cys). The frequency data for this variant in the population databases is considered unreliable, as metrics indicate poor data quality at this position in the gnomAD database. This variant has not been reported in the literature in individuals affected with KCNV2-related conditions. ClinVar contains an entry for this variant (Variation ID: 1007277). Invitae Evidence Modeling of protein sequence and biophysical properties (such as structural, functional, and spatial information, amino acid conservation, physicochemical variation, residue mobility, and thermodynamic stability) indicates that this missense variant is not expected to disrupt KCNV2 protein function with a negative predictive value of 95%. In summary, the available evidence is currently insufficient to determine the role of this variant in disease. Therefore, it has been classified as a Variant of Uncertain Significance.

NM_133497.4(KCNV2):c.661C>T (p.Arg221Cys)

Gene: KCNV2 (potassium voltage-gated channel modifier subfamily V member 2; plus strand). Cytogenetic location: 9p24.2.
Variant type: single nucleotide variant.
Coding change: c.661C>T on transcript NM_133497.4 (MANE Select); coding-DNA position 661, C replaced by T.
Protein change: p.Arg221Cys; replaces arginine 221 with cysteine.
Molecular consequence: missense variant.
Genome position (GRCh38, 1-based): chr9:2,718,400, C>T. VCF-style: chr9-2718400-C-T. GRCh37 (hg19) VCF-style: chr9-2718400-C-T.
Other names: c.661C>T (NM_133497.3); short protein forms R221C.
Identifiers: ClinVar variation 1007277 (VCV001007277.10), dbSNP rs373963150, ClinGen allele CA4965564.